The following is an entry in ClinVar:

NM_182706.5(SCRIB):c.4178-7C>G

Gene: SCRIB (scribble planar cell polarity protein; minus strand). Cytogenetic location: 8q24.3.
Variant type: single nucleotide variant.
Coding change: c.4178-7C>G on transcript NM_182706.5 (MANE Select); 7 bases into the intron before coding-DNA position 4178, C replaced by G.
Molecular consequence: intron variant.
Genome position (GRCh38, 1-based): chr8:143,792,642, G>C on the plus strand (C>G on the coding strand, the complement: SCRIB is on the minus strand). VCF-style: chr8-143792642-G-C. GRCh37 (hg19) VCF-style: chr8-144874812-G-C.
Other names: NC_000008.10:g.144874812G>C; c.4178-7C>G (NM_015356.5).
Identifiers: ClinVar variation 2658910 (VCV002658910.25), dbSNP rs372182643, ClinGen allele CA4918322.

ClinVar aggregate classification (germline): Likely benign (1 of 4 stars; one submission).

Allele frequency attached by ClinVar (database versions not stated): ESP Exome Variant Server 0.00031; ExAC 0.00071.
gnomAD v4.1: 1,550 of 1,593,034 alleles (0.097%); highest among the groups gnomAD compares: Non-Finnish European, 0.13%; 1 homozygote.

Submissions (4):

CeGaT Center for Human Genetics Tuebingen
Classification: Likely benign. Last evaluated: 2022-10-01. Review status: criteria provided, single submitter. Criteria: CeGaT Center For Human Genetics Tuebingen Variant Classification Criteria Version 2. Collection method: clinical testing. Allele origin: germline. Affected: yes. Observed: 1 variant allele.
Comment: SCRIB: BP4

Dr. Peter K. Rogan Lab, Western University
No classification provided (evidence only). Condition: Melanoma. Review status: no classification provided. Collection method: in vitro. Allele origin: not applicable. Functional consequence: retained intron. Not counted in ClinVar's aggregate classification.

Dr. Peter K. Rogan Lab, Western University
No classification provided (evidence only). Condition: Lymphoma. Review status: no classification provided. Collection method: in vitro. Allele origin: not applicable. Functional consequence: retained intron. Not counted in ClinVar's aggregate classification.

Dr. Peter K. Rogan Lab, Western University
No classification provided (evidence only). Condition: Ovarian cancer. Review status: no classification provided. Collection method: in vitro. Allele origin: not applicable. Functional consequence: retained intron. Not counted in ClinVar's aggregate classification.